The following is an entry in ClinVar:

ClinVar aggregate classification (germline): Uncertain significance. Review status: criteria provided, multiple submitters, no conflicts (2 of 4 stars). 3 submissions from 3 submitters: Uncertain significance (3). Last evaluated 2026-03-12.

Conditions:
Duchenne muscular dystrophy (DMD). Also called: MUSCULAR DYSTROPHY, PSEUDOHYPERTROPHIC PROGRESSIVE, DUCHENNE TYPE; Duchenne Muscular Dystrophy (DMD). Identifiers: Orphanet 98896, MedGen C0013264, MONDO:0010679, OMIM 310200.
Becker muscular dystrophy (BMD). Also called: MUSCULAR DYSTROPHY, PSEUDOHYPERTROPHIC PROGRESSIVE, BECKER TYPE; Becker Muscular Dystrophy (BMD). Identifiers: Orphanet 98895, MedGen C0917713, MONDO:0010311, OMIM 300376.
Dilated cardiomyopathy 3B (CMD3B). Also called: CMD3B: DMD-Related Dilated Cardiomyopathy; CARDIOMYOPATHY, DILATED, X-LINKED; DMD-Associated Dilated Cardiomyopathy. Identifiers: Orphanet 154, MedGen C3668940, MONDO:0010542, OMIM 302045.
Cardiovascular phenotype. Identifiers: MedGen CN230736.

Allele frequency attached by ClinVar (database versions not stated): TOPMed 0.00003; gnomAD 0.00002.
gnomAD v4.1: 3 of 1,203,969 alleles (0.00025%); highest among the groups gnomAD compares: Non-Finnish European, 0.00022%; no homozygotes.

Submissions (3):

Ambry Genetics
Classification: Uncertain significance for Cardiovascular phenotype. Last evaluated: 2026-03-12. Review status: criteria provided, single submitter. Criteria: Ambry Variant Classification Scheme 2023. Collection method: clinical testing. Allele origin: germline.
Comment: The p.A1207T variant (also known as c.3619G>A), located in coding exon 27 of the DMD gene, results from a G to A substitution at nucleotide position 3619. The alanine at codon 1207 is replaced by threonine, an amino acid with similar properties. This amino acid position is conserved. In addition, this alteration is predicted to be tolerated by in silico analysis. Based on the available evidence, the clinical significance of this variant remains unclear.

Labcorp Genetics (formerly Invitae), Labcorp
Classification: Uncertain significance for Duchenne muscular dystrophy. Last evaluated: 2024-09-30. Review status: criteria provided, single submitter. Criteria: Invitae Variant Classification Sherloc (09022015). Collection method: clinical testing. Allele origin: germline.
Comment: This sequence change replaces alanine, which is neutral and non-polar, with threonine, which is neutral and polar, at codon 1207 of the DMD protein (p.Ala1207Thr). This variant is not present in population databases (gnomAD no frequency). This variant has not been reported in the literature in individuals affected with DMD-related conditions. ClinVar contains an entry for this variant (Variation ID: 1387547). Invitae Evidence Modeling of protein sequence and biophysical properties (such as structural, functional, and spatial information, amino acid conservation, physicochemical variation, residue mobility, and thermodynamic stability) indicates that this missense variant is not expected to disrupt DMD protein function with a negative predictive value of 95%. In summary, the available evidence is currently insufficient to determine the role of this variant in disease. Therefore, it has been classified as a Variant of Uncertain Significance.

Fulgent Genetics
Classification: Uncertain significance for Becker muscular dystrophy; Dilated cardiomyopathy 3B; Duchenne muscular dystrophy. Last evaluated: 2021-11-02. Review status: criteria provided, single submitter. Criteria: ACMG Guidelines, 2015. Collection method: clinical testing. Allele origin: unknown.

NM_004006.3(DMD):c.3619G>A (p.Ala1207Thr)

Gene: DMD (dystrophin; minus strand). Cytogenetic location: Xp21.1.
Variant type: single nucleotide variant.
Coding change: c.3619G>A on transcript NM_004006.3 (MANE Select); coding-DNA position 3619, G replaced by A.
Protein change: p.Ala1207Thr; replaces alanine 1207 with threonine.
Molecular consequence: missense variant.
Genome position (GRCh38, 1-based): chrX:32,448,623, C>T on the plus strand (G>A on the coding strand, the complement: DMD is on the minus strand). VCF-style: chrX-32448623-C-T. GRCh37 (hg19) VCF-style: chrX-32466740-C-T.
Other names: c.3595G>A, p.Ala1199Thr (NM_000109.4); c.3607G>A, p.Ala1203Thr (NM_004009.3); c.3250G>A, p.Ala1084Thr (NM_004010.3); short protein forms A1084T, A1203T, A1207T, A1199T.
Identifiers: ClinVar variation 1387547 (VCV001387547.8), dbSNP rs1448639542, ClinGen allele CA412662348.